The following is an entry in ClinVar:

NM_145698.5(ACBD5):c.930AGA[1] (p.Glu312del)

Gene: ACBD5 (acyl-CoA binding domain containing 5; minus strand). Cytogenetic location: 10p12.1.
Variant type: Microsatellite.
Coding change: c.930AGA[1] on transcript NM_145698.5 (MANE Select); one copy of the 3-base unit AGA starting at c.930; the reference has two copies in a row; one copy, 3 bases deleted.
Protein change: p.Glu312del; deletes glutamic acid 312.
Molecular consequence: inframe deletion.
Genome position (GRCh38, 1-based): chr10:27,215,536-27,215,538, TCT deleted on the plus strand (AGA on the coding strand, the reverse complement: ACBD5 is on the minus strand); deleting any 3 consecutive bases within chr10:27,215,536-27,215,542 gives the same sequence; the position shown is the placement nearest the transcript's 3' end. VCF-style (leftmost placement, unchanged base first): chr10-27215535-CTCT-C. GRCh37 (hg19) VCF-style: chr10-27504464-CTCT-C.
Other names: c.825AGA[1], p.Glu277del (NM_001042473.4, NM_001352577.2, NM_001352578.2 and 1 more transcripts); c.924AGA[1], p.Glu310del (NM_001271512.3); c.603AGA[1], p.Glu203del (NM_001301251.2, NM_001301252.2, NM_001301253.2 and 2 more transcripts); c.399AGA[1], p.Glu135del (NM_001301254.2); c.984AGA[1], p.Glu330del (NM_001352568.1); c.963AGA[1], p.Glu323del (NM_001352569.1); c.930AGA[1], p.Glu312del (NM_001352570.1); c.957AGA[1], p.Glu321del (NM_001352571.1); and 10 more; short protein forms E135del, E203del, E209del, E214del, E242del, E244del, E253del, E255del.
Identifiers: ClinVar variation 1025355 (VCV001025355.6), dbSNP rs2061528342, ClinGen allele CA2497283494.

ClinVar aggregate classification (germline): Uncertain significance (1 of 4 stars; one submission).

Submission:

Labcorp Genetics (formerly Invitae), Labcorp
Classification: Uncertain significance. Last evaluated: 2021-08-27. Review status: criteria provided, single submitter. Criteria: Invitae Variant Classification Sherloc (09022015). Collection method: clinical testing. Allele origin: germline.
Comment: This variant, c.933_935del, results in the deletion of 1 amino acid(s) of the ACBD5 protein (p.Glu312del), but otherwise preserves the integrity of the reading frame. This variant is not present in population databases (ExAC no frequency). This variant has not been reported in the literature in individuals affected with ACBD5-related conditions. Experimental studies and prediction algorithms are not available or were not evaluated, and the functional significance of this variant is currently unknown. In summary, the available evidence is currently insufficient to determine the role of this variant in disease. Therefore, it has been classified as a Variant of Uncertain Significance.